The following is an entry in ClinVar:

ClinVar aggregate classification (germline): Pathogenic/Likely pathogenic. Review status: criteria provided, multiple submitters, no conflicts (2 of 4 stars). 6 submissions from 6 submitters: Pathogenic (1); Likely pathogenic (4). 1 of the submissions does not count toward it. Last evaluated 2026-07-13.

Conditions:
PKHD1-related disorder. Also called: PKHD1-related condition.
Autosomal recessive polycystic kidney disease (ARPKD). Also called: AR polycystic kidney disease. Identifiers: Orphanet 731, Orphanet 8378, MedGen C0085548, MeSH D017044, MONDO:0009889.
Polycystic kidney disease 4 (PKD4). Also called: Autosomal Recessive Polycystic Kidney Disease – PKHD1; PKD3; POLYCYSTIC KIDNEY DISEASE 4 WITH OR WITHOUT POLYCYSTIC LIVER DISEASE; POLYCYSTIC KIDNEY AND HEPATIC DISEASE 1; POLYCYSTIC KIDNEY DISEASE, INFANTILE, TYPE I. Identifiers: MedGen C4540575, MONDO:0033004, OMIM 263200.

Allele frequency attached by ClinVar (database versions not stated): gnomAD exomes below 0.00001.
gnomAD v4.1: 1 of 1,611,314 alleles (0.000062%); highest among the groups gnomAD compares: Admixed American, 0.0017%; no homozygotes.

Submissions (6):

Myriad Genetics, Inc.
Classification: Likely pathogenic for Polycystic kidney disease 4. Last evaluated: 2026-07-13. Review status: criteria provided, single submitter. Criteria: Myriad Autosomal Dominant, Autosomal Recessive and X-Linked Classification Criteria (2023). Collection method: clinical testing. Allele origin: unknown.
Comment: NM_138694.3(PKHD1):c.3229-2A>C is a variant in a canonical splice site classified as likely pathogenic in the context of autosomal recessive polycystic kidney disease, PKHD1-related. c.3229-2A>C has been observed in a case with relevant disease (PMID: 12846734). Relevant functional assessments of this variant are not available in the literature. c.3229-2A>C has been observed in referenced population frequency databases. In summary, NM_138694.3(PKHD1):c.3229-2A>C is a variant in a canonical splice site in a gene where loss of function is a known mechanism of disease, is predicted to disrupt protein function, and has been observed more frequently in cases with the relevant disease than in healthy populations. Please note: this variant was assessed in the context of healthy population screening.

PreventionGenetics, part of Exact Sciences
Classification: Likely pathogenic for PKHD1-related condition. Last evaluated: 2026-05-06. Review status: criteria provided, single submitter. Criteria: ACMG Guidelines, 2015. Collection method: clinical testing. Allele origin: germline.
Comment: The PKHD1 c.3229-2A>C variant is predicted to disrupt the AG splice acceptor site and interfere with normal splicing. This variant has been reported in the compound heterozygous state in an individual with autosomal recessive polycystic kidney disease (ARPKD) (referred to as IVS28-2A>C, Rossetti et al. 2003. PubMed ID: 12846734). This variant is reported in 0.0029% of alleles in individuals of Latino descent in gnomAD. Variants that disrupt the consensus splice acceptor site in PKHD1 are expected to be pathogenic. This variant is interpreted as likely pathogenic.

Natera, Inc.
Classification: Likely pathogenic for Autosomal recessive polycystic kidney disease. Last evaluated: 2024-08-20. Review status: criteria provided, single submitter. Criteria: Natera Variant Classification Schema (03/2026). Collection method: clinical testing. Allele origin: germline.
Comment: The c.3229-2A>C variant in PKHD1 is a canonical splice acceptor site variant predicted to affect pre-mRNA splicing, which may result in an abnormal transcript and altered protein product. This variant is expected to result in nonsense mediated decay, truncation, or a dysfunctional protein product. This variant is rare in the general population with a frequency below the threshold expected for the associated phenotype(s). Given the available evidence, this variant is classified as Likely Pathogenic.

Labcorp Genetics (formerly Invitae), Labcorp
Classification: Likely pathogenic for Autosomal recessive polycystic kidney disease. Last evaluated: 2023-10-23. Review status: criteria provided, single submitter. Criteria: Invitae Variant Classification Sherloc (09022015). Collection method: clinical testing. Allele origin: germline.
Comment: This sequence change affects an acceptor splice site in intron 28 of the PKHD1 gene. It is expected to disrupt RNA splicing. Variants that disrupt the donor or acceptor splice site typically lead to a loss of protein function (PMID: 16199547), and loss-of-function variants in PKHD1 are known to be pathogenic (PMID: 19940839). This variant is present in population databases (no rsID available, gnomAD 0.003%). Disruption of this splice site has been observed in individual(s) with polycystic kidney disease (PMID: 12846734). ClinVar contains an entry for this variant (Variation ID: 370927). Algorithms developed to predict the effect of sequence changes on RNA splicing suggest that this variant may disrupt the consensus splice site. In summary, the currently available evidence indicates that the variant is pathogenic, but additional data are needed to prove that conclusively. Therefore, this variant has been classified as Likely Pathogenic.

Fulgent Genetics
Classification: Pathogenic for Polycystic kidney disease 4. Last evaluated: 2022-04-06. Review status: criteria provided, single submitter. Criteria: ACMG Guidelines, 2015. Collection method: clinical testing. Allele origin: unknown.

Counsyl
Classification: Likely pathogenic for Polycystic kidney disease 4. Last evaluated: 2016-05-19. Review status: no assertion criteria provided. Collection method: clinical testing. Allele origin: unknown. Not counted in ClinVar's aggregate classification.

Literature cited by the submitters: PubMed 12846734 (cited by 3 submitters); PubMed 16199547 (cited by Labcorp Genetics (formerly Invitae), Labcorp); PubMed 19940839 (cited by Labcorp Genetics (formerly Invitae), Labcorp).

NM_138694.4(PKHD1):c.3229-2A>C

Gene: PKHD1 (PKHD1 ciliary IPT domain containing fibrocystin/polyductin; minus strand). Cytogenetic location: 6p12.2.
Variant type: single nucleotide variant.
Coding change: c.3229-2A>C on transcript NM_138694.4 (MANE Select); the canonical splice acceptor site of the intron before coding-DNA position 3229, A replaced by C.
Molecular consequence: splice acceptor variant.
Genome position (GRCh38, 1-based): chr6:52,033,167, T>G on the plus strand (A>C on the coding strand, the complement: PKHD1 is on the minus strand). VCF-style: chr6-52033167-T-G. GRCh37 (hg19) VCF-style: chr6-51897965-T-G.
Other names: c.3229-2A>C (NM_170724.3).
Identifiers: ClinVar variation 370927 (VCV000370927.17), dbSNP rs1057516872, ClinGen allele CA16041062.
Genomic context (GRCh38, chr6:52,033,167, plus strand): 5'-AGAACTGCAGAATAGTCCCCTCTGATCACAGTCACATTCACAATGCGTCCATCTTTCCCC[T>G]GAAAAATCAATTTTAAAAATTAAACCTCAGTTTTATTTTAAAGTAGGACTGACTTAAGGG-3'